The following is an entry in ClinVar:

NM_001110556.2(FLNA):c.6023-30_6023-9dup

Gene: FLNA (filamin A; minus strand). Cytogenetic location: Xq28.
Variant type: Duplication.
Coding change: c.6023-30_6023-9dup on transcript NM_001110556.2 (MANE Select); 30 bases into the intron before coding-DNA position 6023 through 9 bases into the intron before coding-DNA position 6023, 22 bases duplicated (CCCTGACTGACAGCCATGCCCT).
Molecular consequence: intron variant.
Genome position (GRCh38, 1-based): chrX:154,353,213-154,353,234, AGGGCATGGCTGTCAGTCAGGG duplicated on the plus strand (CCCTGACTGACAGCCATGCCCT on the coding strand, the reverse complement: FLNA is on the minus strand); duplicating any 22 consecutive bases within chrX:154,353,213-154,353,245 gives the same sequence; the c. name uses the placement nearest the transcript's 3' end. VCF-style (leftmost placement, unchanged base first): chrX-154353212-C-CAGGGCATGGCTGTCAGTCAGGG. GRCh37 (hg19) VCF-style: chrX-153581580-C-CAGGGCATGGCTGTCAGTCAGGG.
Other names: c.5999-30_5999-9dup (NM_001456.4).
Identifiers: ClinVar variation 2137048 (VCV002137048.4), dbSNP rs1385491716, ClinGen allele CA873338668.

ClinVar aggregate classification (germline): Uncertain significance (1 of 4 stars; one submission).

Conditions:
Oto-palato-digital syndrome, type II (OPD2). Also called: Otopalatodigital Syndrome Type 2 (FLNA-OPD2); Otopalatodigital Syndrome, Type II; FACIOPALATOOSSEOUS SYNDROME; OPD II SYNDROME. Identifiers: Orphanet 669, Orphanet 90652, MedGen C1844696, MONDO:0010571, OMIM 304120.
Frontometaphyseal dysplasia (FMD1). Identifiers: Orphanet 1826, MedGen C0265293, MONDO:0015942.
Melnick-Needles syndrome (MNS). Also called: Melnick-Needles Syndrome (FLNA-MNS); MELNICK-NEEDLES OSTEODYSPLASTY; OSTEODYSPLASTY OF MELNICK AND NEEDLES. Identifiers: Orphanet 2484, MedGen C0025237, MONDO:0010650, OMIM 309350.
Heterotopia, periventricular, X-linked dominant (PVNH1). Also called: PERIVENTRICULAR NODULAR HETEROTOPIA 4; HETEROTOPIA, PERIVENTRICULAR, 1; X-linked periventricular heterotopia; PERIVENTRICULAR NODULAR HETEROTOPIA 1. Identifiers: Orphanet 2149, Orphanet 82004, MedGen C1848213, MONDO:0010233, OMIM 300049.

Submission:

Labcorp Genetics (formerly Invitae), Labcorp
Classification: Uncertain significance for Oto-palato-digital syndrome, type II; Heterotopia, periventricular, X-linked dominant; Frontometaphyseal dysplasia; Melnick-Needles syndrome. Last evaluated: 2022-11-25. Review status: criteria provided, single submitter. Criteria: Invitae Variant Classification Sherloc (09022015). Collection method: clinical testing. Allele origin: germline.
Comment: Algorithms developed to predict the effect of sequence changes on RNA splicing suggest that this variant may disrupt the consensus splice site. In summary, the available evidence is currently insufficient to determine the role of this variant in disease. Therefore, it has been classified as a Variant of Uncertain Significance. This variant has not been reported in the literature in individuals affected with FLNA-related conditions. This sequence change falls in intron 36 of the FLNA gene. It does not directly change the encoded amino acid sequence of the FLNA protein. This variant is not present in population databases (gnomAD no frequency).